The following is an entry in ClinVar:

ClinVar aggregate classification (germline): Uncertain significance (1 of 4 stars; one submission).

Submission:

Labcorp Genetics (formerly Invitae), Labcorp
Classification: Uncertain significance. Last evaluated: 2023-09-29. Review status: criteria provided, single submitter. Criteria: Invitae Variant Classification Sherloc (09022015). Collection method: clinical testing. Allele origin: germline.
Comment: This sequence change replaces serine, which is neutral and polar, with asparagine, which is neutral and polar, at codon 87 of the ROM1 protein (p.Ser87Asn). This variant is present in population databases (no rsID available, gnomAD 0.003%). This variant has not been reported in the literature in individuals affected with ROM1-related conditions. ClinVar contains an entry for this variant (Variation ID: 1474716). Advanced modeling of protein sequence and biophysical properties (such as structural, functional, and spatial information, amino acid conservation, physicochemical variation, residue mobility, and thermodynamic stability) performed at Invitae indicates that this missense variant is not expected to disrupt ROM1 protein function. In summary, the available evidence is currently insufficient to determine the role of this variant in disease. Therefore, it has been classified as a Variant of Uncertain Significance.

NM_000327.4(ROM1):c.260G>A (p.Ser87Asn)

Gene: ROM1 (retinal outer segment membrane protein 1; plus strand). Cytogenetic location: 11q12.3.
Variant type: single nucleotide variant.
Coding change: c.260G>A on transcript NM_000327.4 (MANE Select); coding-DNA position 260, G replaced by A.
Protein change: p.Ser87Asn; replaces serine 87 with asparagine.
Molecular consequence: missense variant.
Genome position (GRCh38, 1-based): chr11:62,613,541, G>A. VCF-style: chr11-62613541-G-A. GRCh37 (hg19) VCF-style: chr11-62381013-G-A.
Other names: short protein forms S87N.
Identifiers: ClinVar variation 1474716 (VCV001474716.8), dbSNP rs764759239, ClinGen allele CA380969159.
Genomic context (GRCh38, chr11:62,613,541, plus strand): 5'-TGGCAGCGGGCGCGGTGGCTCTGGGCACAGGACTAGTGGGTGTAGGAGCCAGCCGGGCAA[G>A]TCTGAATGCAGCTCTATACCCTCCCTGGCGAGGGGTCCTGGGCCCGCTGCTGGTGGCTGG-3'
Protein context (NP_000318.2, residues 77-97): GLVGVGASRA[Ser87Asn]LNAALYPPWR